The following is an entry in ClinVar:

NM_177965.4(CFAP418):c.301G>A (p.Gly101Ser)

Gene: CFAP418 (cilia and flagella associated protein 418; minus strand). Cytogenetic location: 8q22.1.
Variant type: single nucleotide variant.
Coding change: c.301G>A on transcript NM_177965.4 (MANE Select); coding-DNA position 301, G replaced by A.
Protein change: p.Gly101Ser; replaces glycine 101 with serine.
Molecular consequence: missense variant.
Genome position (GRCh38, 1-based): chr8:95,260,475, C>T on the plus strand (G>A on the coding strand, the complement: CFAP418 is on the minus strand). VCF-style: chr8-95260475-C-T. GRCh37 (hg19) VCF-style: chr8-96272703-C-T.
Other names: c.301G>A, p.Gly101Ser (NM_001363260.1); short protein forms G101S.
Identifiers: ClinVar variation 3357770 (VCV003357770.1).

ClinVar aggregate classification (germline): Uncertain significance (0 of 4 stars; one submission).

Conditions:
CFAP418-related disorder. Also called: CFAP418-related condition.

gnomAD v4.1: 4 of 1,586,884 alleles (0.00025%); highest among the groups gnomAD compares: African/African-American, 0.0041%; no homozygotes.

Submission:

PreventionGenetics, part of Exact Sciences
Classification: Uncertain significance for CFAP418-related condition. Last evaluated: 2024-07-24. Review status: no assertion criteria provided. Collection method: clinical testing. Allele origin: germline.
Comment: The CFAP418 c.301G>A variant is predicted to result in the amino acid substitution p.Gly101Ser. To our knowledge, this variant has not been reported in the literature or in a large population database, indicating this variant is rare. At this time, the clinical significance of this variant is uncertain due to the absence of conclusive functional and genetic evidence.